The following is an entry in ClinVar:

ClinVar aggregate classification (germline): Conflicting classifications of pathogenicity. Review status: criteria provided, conflicting classifications (1 of 4 stars). 6 submissions from 6 submitters: Pathogenic (2); Uncertain significance (3); Likely benign (1). Last evaluated 2026-06-02.

Conditions:
TECTA-related disorder. Also called: TECTA-related condition.
Autosomal recessive nonsyndromic hearing loss 21. Identifiers: Orphanet 90636, MedGen C1863655, MONDO:0011351, OMIM 603629.
Autosomal dominant nonsyndromic hearing loss 12. Also called: DEAFNESS, AUTOSOMAL DOMINANT 8. Identifiers: Orphanet 90635, MedGen C1832187, MONDO:0011102, OMIM 601543.

Allele frequency attached by ClinVar (database versions not stated): ExAC 0.00003; gnomAD exomes 0.00005 and 0.00009; TOPMed 0.00008; gnomAD 0.00009 and 0.00011; ESP Exome Variant Server 0.00015.
gnomAD v4.1: 158 of 1,614,034 alleles (0.0098%); highest among the groups gnomAD compares: South Asian, 0.016%; 1 homozygote.

Submissions (6):

PreventionGenetics, part of Exact Sciences
Classification: Uncertain significance for TECTA-related condition. Last evaluated: 2026-06-02. Review status: criteria provided, single submitter. Criteria: ACMG Guidelines, 2015. Collection method: clinical testing. Allele origin: germline.
Comment: The TECTA c.248C>T variant is predicted to result in the amino acid substitution p.Thr83Met. This variant has been reported in individuals with non-syndromic hearing loss from various ethnicities (Plantinga et al. 2006. PubMed ID: 16718611; Wu et al. 2016. PubMed ID: 27018795; Usami et al. 2021. PubMed ID: 34599366). The variant segregated with autosomal recessive hearing loss in one consanguineous family with two affected and six unaffected siblings (Brownstein et al. 2020. PubMed ID: 33111345). This variant in cis with another TECTA variant segregated with autosomal dominant hearing loss in another family (Plantinga et al. 2006. PubMed ID: 16718611) and was reported in combination with a different TECTA variant in another individual with hearing loss (Supplementary table, Perry. 2022. PubMed ID: 36515421). At PreventionGenetics, this variant was observed in a proband and unaffected parent in three trios, of which only one proband had hearing loss noted as a reason for testing. This variant is reported in 0.016% of alleles in individuals of South Asian descent in gnomAD. However, in gnomAD v4 (available only on GRCh38), this variant is reported in one homozygote in the South Asian population, which is not consistent with this variant being a primary cause of disease. This variant has conflicting classifications in ClinVar ranging from likely benign to pathogenic (Variation ID: 813831). Although we suspect the variant is benign for autosomal dominant hearing loss, at this time, the clinical significance of this variant is uncertain due to the absence of conclusive functional and genetic evidence.

Labcorp Genetics (formerly Invitae), Labcorp
Classification: Pathogenic. Last evaluated: 2022-11-28. Review status: criteria provided, single submitter. Criteria: Invitae Variant Classification Sherloc (09022015). Collection method: clinical testing. Allele origin: germline.
Comment: This sequence change replaces threonine, which is neutral and polar, with methionine, which is neutral and non-polar, at codon 83 of the TECTA protein (p.Thr83Met). This variant is present in population databases (rs145898158, gnomAD 0.01%). This missense change has been observed in individual(s) with clinical features of autosomal recessive nonsyndromic deafness (PMID: 33111345; Invitae). In at least one individual the data is consistent with being in trans (on the opposite chromosome) from a pathogenic variant. It has also been observed to segregate with disease in related individuals. ClinVar contains an entry for this variant (Variation ID: 813831). Advanced modeling of protein sequence and biophysical properties (such as structural, functional, and spatial information, amino acid conservation, physicochemical variation, residue mobility, and thermodynamic stability) performed at Invitae indicates that this missense variant is not expected to disrupt TECTA protein function. For these reasons, this variant has been classified as Pathogenic.

3billion
Classification: Uncertain significance for Autosomal recessive nonsyndromic hearing loss 21. Last evaluated: 2022-01-03. Review status: criteria provided, single submitter. Criteria: ACMG Guidelines, 2015. Collection method: clinical testing. Allele origin: germline. Affected: yes. Observed: 1 heterozygote.
Comment: The variant was co-segregated with Deafness, autosomal recessive 21 in multiple affected family members with additional meioses meeting moderate evidence levels (PMID: 33111345, PP1_M). It is observed at an extremely low frequency in the gnomAD v2.1.1 dataset (total allele frequency: 0.000057, PM2_M). The variant has been reported to be in trans as homozygous in at least one similarly affected unrelated individual (PMID: 33111345, PM3_P). Therefore, this variant is classified as uncertain significance according to the recommendation of ACMG/AMP guideline.

Department of Pathology and Laboratory Medicine, Sinai Health System
Classification: Uncertain significance for Autosomal dominant nonsyndromic hearing loss 12; Autosomal recessive nonsyndromic hearing loss 21. Last evaluated: 2021-07-30. Review status: criteria provided, single submitter. Criteria: ACMG Guidelines, 2015. Collection method: research. Allele origin: germline.

GeneDx
Classification: Likely benign. Last evaluated: 2021-04-28. Review status: criteria provided, single submitter. Criteria: GeneDx Variant Classification Process June 2021. Collection method: clinical testing. Allele origin: germline. Affected: yes.
Comment: In silico analysis, which includes protein predictors and evolutionary conservation, supports that this variant does not alter protein structure/function; This variant is associated with the following publications: (PMID: 33111345, 18776598, 16718611, 30935366)

Laboratory of Prof. Karen Avraham, Tel Aviv University
Classification: Pathogenic for Autosomal recessive nonsyndromic hearing loss 21. Last evaluated: 2018-05-07. Review status: criteria provided, single submitter. Criteria: ACMG Guidelines, 2015. Collection method: research. Allele origin: germline. Affected: yes.
Comment: Recessive, congenital, moderate-severe NSHL

Literature cited by the submitters: PubMed 33111345 (cited by Labcorp Genetics (formerly Invitae), Labcorp and 3billion).

NM_005422.4(TECTA):c.248C>T (p.Thr83Met)

Genes: TBCEL-TECTA (TBCEL-TECTA readthrough; plus strand), TECTA (tectorin alpha; plus strand). Cytogenetic location: 11q23.3.
Variant type: single nucleotide variant.
Coding change: c.248C>T on transcript NM_005422.4 (MANE Select); coding-DNA position 248, C replaced by T.
Protein change: p.Thr83Met; replaces threonine 83 with methionine.
Molecular consequence: missense variant.
Genome position (GRCh38, 1-based): chr11:121,109,260, C>T. VCF-style: chr11-121109260-C-T. GRCh37 (hg19) VCF-style: chr11-120979969-C-T.
Other names: short protein forms T83M.
Identifiers: ClinVar variation 813831 (VCV000813831.11), dbSNP rs145898158, ClinGen allele CA6326458.